The following is an entry in ClinVar:

NM_015311.3(OBSL1):c.1034G>A (p.Arg345Gln)

Gene: OBSL1 (obscurin like cytoskeletal adaptor 1; minus strand). Cytogenetic location: 2q35.
Variant type: single nucleotide variant.
Coding change: c.1034G>A on transcript NM_015311.3 (MANE Select); coding-DNA position 1034, G replaced by A.
Protein change: p.Arg345Gln; replaces arginine 345 with glutamine.
Molecular consequence: missense variant.
Genome position (GRCh38, 1-based): chr2:219,568,303, C>T on the plus strand (G>A on the coding strand, the complement: OBSL1 is on the minus strand). VCF-style: chr2-219568303-C-T. GRCh37 (hg19) VCF-style: chr2-220433025-C-T.
Other names: c.1034G>A, p.Arg345Gln (NM_001173408.2, NM_001173431.2); c.1034G>A (NM_015311.2); short protein forms R345Q.
Identifiers: ClinVar variation 1515060 (VCV001515060.8), dbSNP rs781161790, ClinGen allele CA2131656.

ClinVar aggregate classification (germline): Uncertain significance. Review status: criteria provided, multiple submitters, no conflicts (2 of 4 stars). 3 submissions from 3 submitters: Uncertain significance (3). Last evaluated 2025-12-04.

Conditions:
Inborn genetic diseases. Identifiers: MedGen C0950123, MeSH D030342.

Allele frequency attached by ClinVar (database versions not stated): gnomAD exomes 0.00001 and 0.00004; TOPMed 0.00002; ExAC 0.00003.
gnomAD v4.1: 10 of 1,606,014 alleles (0.00062%); highest among the groups gnomAD compares: Admixed American, 0.0068%; no homozygotes.

Submissions (3):

Ambry Genetics
Classification: Uncertain significance for Inborn genetic diseases. Last evaluated: 2025-12-04. Review status: criteria provided, single submitter. Criteria: Ambry Variant Classification Scheme 2023. Collection method: clinical testing. Allele origin: germline.

Women's Health and Genetics/Laboratory Corporation of America, LabCorp
Classification: Uncertain significance. Last evaluated: 2023-11-10. Review status: criteria provided, single submitter. Criteria: LabCorp Variant Classification Summary - May 2015. Collection method: clinical testing. Allele origin: germline.
Comment: Variant summary: OBSL1 c.1034G>A (p.Arg345Gln) results in a conservative amino acid change located in an Immunoglobulin-like domain (IPR007110) of the encoded protein sequence. Four of five in-silico tools predict a benign effect of the variant on protein function. The variant allele was found at a frequency of 3.5e-05 in 227394 control chromosomes (gnomAD). The available data on variant occurrences in the general population are insufficient to allow any conclusion about variant significance. To our knowledge, no occurrence of c.1034G>A in individuals affected with Three M Syndrome 2 and no experimental evidence demonstrating its impact on protein function have been reported. One submitter has cited a clinical-significance assessment for this variant to ClinVar after 2014 and has classified the variant as uncertain significance. Based on the evidence outlined above, the variant was classified as uncertain significance.

Labcorp Genetics (formerly Invitae), Labcorp
Classification: Uncertain significance. Last evaluated: 2022-08-31. Review status: criteria provided, single submitter. Criteria: Invitae Variant Classification Sherloc (09022015). Collection method: clinical testing. Allele origin: germline.
Comment: ClinVar contains an entry for this variant (Variation ID: 1515060). In summary, the available evidence is currently insufficient to determine the role of this variant in disease. Therefore, it has been classified as a Variant of Uncertain Significance. Algorithms developed to predict the effect of sequence changes on RNA splicing suggest that this variant may create or strengthen a splice site. Algorithms developed to predict the effect of missense changes on protein structure and function are either unavailable or do not agree on the potential impact of this missense change (SIFT: "Tolerated"; PolyPhen-2: "Possibly Damaging"; Align-GVGD: "Class C0"). This variant has not been reported in the literature in individuals affected with OBSL1-related conditions. This variant is present in population databases (rs781161790, gnomAD 0.01%). This sequence change replaces arginine, which is basic and polar, with glutamine, which is neutral and polar, at codon 345 of the OBSL1 protein (p.Arg345Gln).